The following is an entry in ClinVar:

ClinVar aggregate classification (germline): Uncertain significance (1 of 4 stars; one submission).

Conditions:
Cranioectodermal dysplasia 1 (CED1). Also called: LEVIN SYNDROME I. Identifiers: Orphanet 1515, MedGen C0432235, MONDO:0021093, OMIM 218330.

Allele frequency attached by ClinVar (database versions not stated): gnomAD exomes below 0.00001; ExAC 0.00002.
gnomAD v4.1: 3 of 1,613,984 alleles (0.00019%); highest among the groups gnomAD compares: South Asian, 0.0011%; no homozygotes.

Submission:

Labcorp Genetics (formerly Invitae), Labcorp
Classification: Uncertain significance for Cranioectodermal dysplasia 1. Last evaluated: 2024-10-25. Review status: criteria provided, single submitter. Criteria: Invitae Variant Classification Sherloc (09022015). Collection method: clinical testing. Allele origin: germline.
Comment: This sequence change replaces aspartic acid, which is acidic and polar, with asparagine, which is neutral and polar, at codon 291 of the IFT122 protein (p.Asp291Asn). This variant is present in population databases (rs761915189, gnomAD 0.007%). This variant has not been reported in the literature in individuals affected with IFT122-related conditions. ClinVar contains an entry for this variant (Variation ID: 2421414). An algorithm developed to predict the effect of missense changes on protein structure and function outputs the following: PolyPhen-2: "Benign". The asparagine amino acid residue is found in multiple mammalian species, which suggests that this missense change does not adversely affect protein function. In summary, the available evidence is currently insufficient to determine the role of this variant in disease. Therefore, it has been classified as a Variant of Uncertain Significance.

NM_052989.3(IFT122):c.718G>A (p.Asp240Asn)

Gene: IFT122 (intraflagellar transport 122; plus strand). Cytogenetic location: 3q21.3.
Variant type: single nucleotide variant.
Coding change: c.718G>A on transcript NM_052989.3 (MANE Select); coding-DNA position 718, G replaced by A.
Protein change: p.Asp240Asn; replaces aspartic acid 240 with asparagine.
Molecular consequence: missense variant. On other transcripts: intron variant (4).
Genome position (GRCh38, 1-based): chr3:129,467,044, G>A. VCF-style: chr3-129467044-G-A. GRCh37 (hg19) VCF-style: chr3-129185887-G-A.
Other names: c.268G>A, p.Asp90Asn (NM_001280545.2); c.718G>A, p.Asp240Asn (NM_001410808.1, NM_001410809.1); c.871G>A, p.Asp291Asn (NM_052985.4); c.716+2263G>A (NM_001280541.2); c.563+2263G>A (NM_018262.4); c.113+2263G>A (NM_001280546.2); c.407+2263G>A (NM_052990.3); short protein forms D240N, D291N, D90N.
Identifiers: ClinVar variation 2421414 (VCV002421414.6), dbSNP rs761915189, ClinGen allele CA2605956.